The following is an entry in ClinVar:

ClinVar aggregate classification (germline): Uncertain significance. Review status: criteria provided, multiple submitters, no conflicts (2 of 4 stars). 2 submissions from 2 submitters: Uncertain significance (2). Last evaluated 2025-03-24.

Conditions:
Hereditary breast ovarian cancer syndrome. Also called: BRCA1- and BRCA2-Associated Hereditary Breast and Ovarian Cancer; Hereditary breast and ovarian cancer syndrome; Hereditary breast and ovarian cancer; Hereditary breast and ovarian cancer syndrome (HBOC); Breast and ovarian cancer; Hereditary breast and/or ovarian cancer syndrome. Identifiers: Orphanet 145, MedGen C0677776, MeSH D061325, MONDO:0003582. Disease mechanism: loss of function.
Breast-ovarian cancer, familial, susceptibility to, 1 (BROVCA1). Also called: BRCA1 Hereditary Breast and Ovarian Cancer; OVARIAN CANCER, SUSCEPTIBILITY TO. Identifiers: Orphanet 145, MedGen C2676676, MONDO:0011450, OMIM 604370. Disease mechanism: loss of function.

Submissions (2):

Labcorp Genetics (formerly Invitae), Labcorp
Classification: Uncertain significance for Hereditary breast ovarian cancer syndrome. Last evaluated: 2025-03-24. Review status: criteria provided, single submitter. Criteria: Invitae Variant Classification Sherloc (09022015). Collection method: clinical testing. Allele origin: germline.
Comment: This sequence change replaces glutamine, which is neutral and polar, with arginine, which is basic and polar, at codon 1467 of the BRCA1 protein (p.Gln1467Arg). This variant is not present in population databases (gnomAD no frequency). This variant has not been reported in the literature in individuals affected with BRCA1-related conditions. ClinVar contains an entry for this variant (Variation ID: 3069230). Invitae Evidence Modeling of protein sequence and biophysical properties (such as structural, functional, and spatial information, amino acid conservation, physicochemical variation, residue mobility, and thermodynamic stability) indicates that this missense variant is not expected to disrupt BRCA1 protein function with a negative predictive value of 95%. In summary, the available evidence is currently insufficient to determine the role of this variant in disease. Therefore, it has been classified as a Variant of Uncertain Significance.

All of Us Research Program, National Institutes of Health
Classification: Uncertain significance for Breast-ovarian cancer, familial, susceptibility to, 1. Last evaluated: 2023-05-30. Review status: criteria provided, single submitter. Criteria: ACMG Guidelines, 2015. Collection method: clinical testing. Allele origin: germline. Inheritance: Autosomal dominant inheritance. Observed: 1 variant allele, 1 heterozygote.
Comment: This missense variant replaces glutamine with arginine at codon 1467 of the BRCA1 protein. Computational prediction suggests that this variant may not impact protein structure and function (internally defined REVEL score threshold <= 0.5, PMID: 27666373). To our knowledge, functional studies have not been reported for this variant. This variant has not been reported in individuals affected with BRCA1-related disorders in the literature. This variant has not been identified in the general population by the Genome Aggregation Database (gnomAD). The available evidence is insufficient to determine the role of this variant in disease conclusively. Therefore, this variant is classified as a Variant of Uncertain Significance.

This study involves interpretation of variants in research participants for the purpose of population health screening. Participant phenotype was not available at the time of variant classification. Additional details can be found in publication PMID: 35346344, PMCID: PMC8962531

NM_007294.4(BRCA1):c.4400A>G (p.Gln1467Arg)

Gene: BRCA1 (BRCA1 DNA repair associated; minus strand). Cytogenetic location: 17q21.31.
Variant type: single nucleotide variant.
Coding change: c.4400A>G on transcript NM_007294.4 (MANE Select); coding-DNA position 4400, A replaced by G.
Protein change: p.Gln1467Arg; replaces glutamine 1467 with arginine.
Molecular consequence: missense variant. On other transcripts: intron variant (3).
Genome position (GRCh38, 1-based): chr17:43,076,572, T>C on the plus strand (A>G on the coding strand, the complement: BRCA1 is on the minus strand). VCF-style: chr17-43076572-T-C. GRCh37 (hg19) VCF-style: chr17-41228589-T-C.
Other names: c.4187A>G, p.Gln1396Arg (NM_001407571.1, NM_001407896.1, NM_001407897.1 and 12 more transcripts); c.4466A>G, p.Gln1489Arg (NM_001407581.1, NM_001407582.1); c.4463A>G, p.Gln1488Arg (NM_001407583.1, NM_001407585.1, NM_001407587.1 and 1 more transcripts); c.4184A>G, p.Gln1395Arg (NM_001407915.1, NM_001407916.1, NM_001407917.1 and 1 more transcripts); c.4277A>G, p.Gln1426Arg (NM_001407919.1, NM_001407937.1, NM_001407938.1 and 6 more transcripts); c.4136A>G, p.Gln1379Arg (NM_001407920.1, NM_001407921.1, NM_001407922.1 and 4 more transcripts); c.4133A>G, p.Gln1378Arg (NM_001407927.1, NM_001407928.1, NM_001407929.1 and 4 more transcripts); c.4130A>G, p.Gln1377Arg (NM_001407934.1, NM_001407935.1, NM_001407936.1); and 71 more; short protein forms Q1170R, Q1171R, Q1298R, Q1338R, Q1339R, Q1340R, Q1354R, Q1355R.
Identifiers: ClinVar variation 3069230 (VCV003069230.2), dbSNP rs2551677973, ClinGen allele CA10592734.